The following is an entry in ClinVar:

NM_004370.6(COL12A1):c.5159A>G (p.Tyr1720Cys)

Gene: COL12A1 (collagen type XII alpha 1 chain; minus strand). Cytogenetic location: 6q13.
Variant type: single nucleotide variant.
Coding change: c.5159A>G on transcript NM_004370.6 (MANE Select); coding-DNA position 5159, A replaced by G.
Protein change: p.Tyr1720Cys; replaces tyrosine 1720 with cysteine.
Molecular consequence: missense variant.
Genome position (GRCh38, 1-based): chr6:75,138,519, T>C on the plus strand (A>G on the coding strand, the complement: COL12A1 is on the minus strand). VCF-style: chr6-75138519-T-C. GRCh37 (hg19) VCF-style: chr6-75848235-T-C.
Other names: c.5159A>G, p.Tyr1720Cys (NM_001424113.1, NM_001424114.1); c.4886A>G, p.Tyr1629Cys (NM_001424115.1); c.1667A>G, p.Tyr556Cys (NM_001424116.1, NM_080645.3); c.5159A>G (NM_004370.5); short protein forms Y1629C, Y1720C, Y556C.
Identifiers: ClinVar variation 3751160 (VCV003751160.4).

ClinVar aggregate classification (germline): Uncertain significance. Review status: criteria provided, multiple submitters, no conflicts (2 of 4 stars). 2 submissions from 2 submitters: Uncertain significance (2). Last evaluated 2025-04-10.

Conditions:
Inborn genetic diseases. Identifiers: MedGen C0950123, MeSH D030342.
Ullrich congenital muscular dystrophy 2 (UCMD2). Identifiers: Orphanet 75840, MedGen C4225314, MONDO:0014654, OMIM 616470.
Bethlem myopathy 2 (BTHLM2). Identifiers: Orphanet 536516, Orphanet 610, MedGen C4225313, MONDO:0034022, OMIM 616471.

Submissions (2):

Ambry Genetics
Classification: Uncertain significance for Inborn genetic diseases. Last evaluated: 2025-04-10. Review status: criteria provided, single submitter. Criteria: Ambry Variant Classification Scheme 2023. Collection method: clinical testing. Allele origin: germline.
Comment: The c.5159A>G (p.Y1720C) alteration is located in exon 29 (coding exon 28) of the COL12A1 gene. This alteration results from a A to G substitution at nucleotide position 5159, causing the tyrosine (Y) at amino acid position 1720 to be replaced by a cysteine (C). This variant was not reported in population-based cohorts in the Genome Aggregation Database (gnomAD). This amino acid position is highly conserved in available vertebrate species. This alteration is predicted to be deleterious by in silico analysis. Based on insufficient or conflicting evidence, the clinical significance of this alteration remains unclear.

Labcorp Genetics (formerly Invitae), Labcorp
Classification: Uncertain significance for Bethlem myopathy 2; Ullrich congenital muscular dystrophy 2. Last evaluated: 2024-11-30. Review status: criteria provided, single submitter. Criteria: Invitae Variant Classification Sherloc (09022015). Collection method: clinical testing. Allele origin: germline.
Comment: This sequence change replaces tyrosine, which is neutral and polar, with cysteine, which is neutral and slightly polar, at codon 1720 of the COL12A1 protein (p.Tyr1720Cys). This variant is not present in population databases (gnomAD no frequency). This variant has not been reported in the literature in individuals affected with COL12A1-related conditions. Invitae Evidence Modeling of protein sequence and biophysical properties (such as structural, functional, and spatial information, amino acid conservation, physicochemical variation, residue mobility, and thermodynamic stability) has been performed for this missense variant. However, the output from this modeling did not meet the statistical confidence thresholds required to predict the impact of this variant on COL12A1 protein function. In summary, the available evidence is currently insufficient to determine the role of this variant in disease. Therefore, it has been classified as a Variant of Uncertain Significance.